The following is an entry in ClinVar:

ClinVar aggregate classification (germline): Uncertain significance (1 of 4 stars; one submission).

Submission:

Labcorp Genetics (formerly Invitae), Labcorp
Classification: Uncertain significance. Last evaluated: 2022-07-06. Review status: criteria provided, single submitter. Criteria: Invitae Variant Classification Sherloc (09022015). Collection method: clinical testing. Allele origin: germline.
Comment: This sequence change replaces lysine, which is basic and polar, with glutamic acid, which is acidic and polar, at codon 183 of the COL11A1 protein (p.Lys183Glu). This variant is not present in population databases (gnomAD no frequency). This variant has not been reported in the literature in individuals affected with COL11A1-related conditions. Advanced modeling of protein sequence and biophysical properties (such as structural, functional, and spatial information, amino acid conservation, physicochemical variation, residue mobility, and thermodynamic stability) performed at Invitae indicates that this missense variant is not expected to disrupt COL11A1 protein function. In summary, the available evidence is currently insufficient to determine the role of this variant in disease. Therefore, it has been classified as a Variant of Uncertain Significance.

NM_001854.4(COL11A1):c.547A>G (p.Lys183Glu)

Gene: COL11A1 (collagen type XI alpha 1 chain; minus strand). Cytogenetic location: 1p21.1.
Variant type: single nucleotide variant.
Coding change: c.547A>G on transcript NM_001854.4 (MANE Select); coding-DNA position 547, A replaced by G.
Protein change: p.Lys183Glu; replaces lysine 183 with glutamic acid.
Molecular consequence: missense variant. On other transcripts: non-coding transcript variant (1).
Genome position (GRCh38, 1-based): chr1:103,074,722, T>C on the plus strand (A>G on the coding strand, the complement: COL11A1 is on the minus strand). VCF-style: chr1-103074722-T-C. GRCh37 (hg19) VCF-style: chr1-103540278-T-C.
Other names: c.547A>G, p.Lys183Glu (NM_001168249.1, NM_001190709.2, NM_080629.3 and 1 more transcripts); short protein forms K183E.
Identifiers: ClinVar variation 2014321 (VCV002014321.4), dbSNP rs2526145954, ClinGen allele CA341166416.